The following is an entry in ClinVar:

NM_001166114.2(PNPLA6):c.148C>T (p.Leu50Phe)

Gene: PNPLA6 (patatin like domain 6, lysophospholipase; plus strand). Cytogenetic location: 19p13.2.
Variant type: single nucleotide variant.
Coding change: c.148C>T on transcript NM_001166114.2 (MANE Select); coding-DNA position 148, C replaced by T.
Protein change: p.Leu50Phe; replaces leucine 50 with phenylalanine.
Molecular consequence: missense variant.
Genome position (GRCh38, 1-based): chr19:7,535,936, C>T. VCF-style: chr19-7535936-C-T. GRCh37 (hg19) VCF-style: chr19-7600822-C-T.
Other names: c.175C>T, p.Leu59Phe (NM_001166111.2); c.31C>T, p.Leu11Phe (NM_001166112.2, NM_001166113.1, NM_006702.5); short protein forms L50F, L11F, L59F.
Identifiers: ClinVar variation 944016 (VCV000944016.6), dbSNP rs770929257, ClinGen allele CA9139345.

ClinVar aggregate classification (germline): Uncertain significance (1 of 4 stars; one submission).

Conditions:
Hereditary spastic paraplegia 39 (SPG39). Also called: SPASTIC PARAPLEGIA 39, AUTOSOMAL RECESSIVE; Spastic Paraplegia Type 39 (SPG39). Identifiers: Orphanet 139480, MedGen C2677586, MONDO:0012787, OMIM 612020.

Allele frequency attached by ClinVar (database versions not stated): gnomAD 0.00001 and 0.00002; TOPMed 0.00001; gnomAD exomes 0.00003 and 0.00004; ExAC 0.00008.
gnomAD v4.1: 41 of 1,583,480 alleles (0.0026%); highest among the groups gnomAD compares: South Asian, 0.037%; no homozygotes.

Submission:

Labcorp Genetics (formerly Invitae), Labcorp
Classification: Uncertain significance for Hereditary spastic paraplegia 39. Last evaluated: 2025-03-17. Review status: criteria provided, single submitter. Criteria: Invitae Variant Classification Sherloc (09022015). Collection method: clinical testing. Allele origin: germline.
Comment: This sequence change replaces leucine, which is neutral and non-polar, with phenylalanine, which is neutral and non-polar, at codon 11 of the PNPLA6 protein (p.Leu11Phe). The frequency data for this variant in the population databases is considered unreliable, as metrics indicate poor data quality at this position in the gnomAD database. This variant has not been reported in the literature in individuals affected with PNPLA6-related conditions. ClinVar contains an entry for this variant (Variation ID: 944016). Invitae Evidence Modeling of protein sequence and biophysical properties (such as structural, functional, and spatial information, amino acid conservation, physicochemical variation, residue mobility, and thermodynamic stability) indicates that this missense variant is not expected to disrupt PNPLA6 protein function with a negative predictive value of 95%. In summary, the available evidence is currently insufficient to determine the role of this variant in disease. Therefore, it has been classified as a Variant of Uncertain Significance.